The following is an entry in ClinVar:

NM_000180.4(GUCY2D):c.1008_1014del (p.Asp337fs)

Gene: GUCY2D (guanylate cyclase 2D, retinal; plus strand). Cytogenetic location: 17p13.1.
Variant type: Deletion.
Coding change: c.1008_1014del on transcript NM_000180.4 (MANE Select); coding-DNA positions 1008 to 1014, 7 bases deleted (TGACCTC; older notation c.1008_1014delTGACCTC).
Protein change: p.Asp337fs; shifts the reading frame from aspartic acid 337.
Molecular consequence: frameshift variant.
Genome position (GRCh38, 1-based): chr17:8,004,138-8,004,144, TGACCTC deleted; deleting any 7 consecutive bases within chr17:8,004,134-8,004,144 gives the same sequence; the c. name uses the placement nearest the transcript's 3' end. VCF-style (leftmost placement, unchanged base first): chr17-8004133-CCCTCTGA-C. GRCh37 (hg19) VCF-style: chr17-7907451-CCCTCTGA-C.
Other names: short protein forms D337fs.
Identifiers: ClinVar variation 2943616 (VCV002943616.3), dbSNP rs2545418921, ClinGen allele CA2740095229.

ClinVar aggregate classification (germline): Pathogenic (1 of 4 stars; one submission).

Conditions:
Cone-rod dystrophy 6 (CORD6). Also called: RETINAL CONE DYSTROPHY 2; Cone dystrophy progressive. Identifiers: Orphanet 1872, MedGen C1866293, MONDO:0011143, OMIM 601777.
Leber congenital amaurosis 1 (LCA1). Also called: AMAUROSIS CONGENITA OF LEBER I; RETINAL BLINDNESS, CONGENITAL; Congenital absence of the rods and cones; Leber's congenital tapetoretinal degeneration; Leber's congenital tapetoretinal dysplasia. Identifiers: Orphanet 65, MedGen C2931258, MONDO:0008764, OMIM 204000.

Submission:

Labcorp Genetics (formerly Invitae), Labcorp
Classification: Pathogenic for Leber congenital amaurosis 1; Cone-rod dystrophy 6. Last evaluated: 2025-06-02. Review status: criteria provided, single submitter. Criteria: Invitae Variant Classification Sherloc (09022015). Collection method: clinical testing. Allele origin: germline.
Comment: This sequence change creates a premature translational stop signal (p.Asp337Ilefs*56) in the GUCY2D gene. It is expected to result in an absent or disrupted protein product. Loss-of-function variants in GUCY2D are known to be pathogenic (PMID: 10951519, 11328726). This variant is not present in population databases (gnomAD no frequency). This variant has not been reported in the literature in individuals affected with GUCY2D-related conditions. ClinVar contains an entry for this variant (Variation ID: 2943616). For these reasons, this variant has been classified as Pathogenic.

Literature cited by the submitters: PubMed 10951519; PubMed 11328726.